The following is an entry in ClinVar:

ClinVar aggregate classification (germline): Likely pathogenic (1 of 4 stars; one submission).

Submission:

Labcorp Genetics (formerly Invitae), Labcorp
Classification: Likely pathogenic. Last evaluated: 2025-09-17. Review status: criteria provided, single submitter. Criteria: Invitae Variant Classification Sherloc (09022015). Collection method: clinical testing. Allele origin: germline.
Comment: This sequence change replaces glycine, which is neutral and non-polar, with valine, which is neutral and non-polar, at codon 779 of the LIFR protein (p.Gly779Val). This variant is not present in population databases (gnomAD no frequency). This missense change has been observed in individuals with Stuve-Wiedemann syndrome (PMID: 20447141). It has also been observed to segregate with disease in related individuals. ClinVar contains an entry for this variant (Variation ID: 1056730). An algorithm developed to predict the effect of missense changes on protein structure and function (PolyPhen-2) suggests that this variant is likely to be tolerated. Algorithms developed to predict the effect of sequence changes on RNA splicing suggest that this variant may disrupt the consensus splice site. In summary, the currently available evidence indicates that the variant is pathogenic, but additional data are needed to prove that conclusively. Therefore, this variant has been classified as Likely Pathogenic.

Literature cited by the submitters: PubMed 20447141.

NM_001127671.2(LIFR):c.2336G>T (p.Gly779Val)

Gene: LIFR (LIF receptor subunit alpha; minus strand). Cytogenetic location: 5p13.1.
Variant type: single nucleotide variant.
Coding change: c.2336G>T on transcript NM_001127671.2 (MANE Select); coding-DNA position 2336, G replaced by T.
Protein change: p.Gly779Val; replaces glycine 779 with valine.
Molecular consequence: missense variant.
Genome position (GRCh38, 1-based): chr5:38,485,980, C>A on the plus strand (G>T on the coding strand, the complement: LIFR is on the minus strand). VCF-style: chr5-38485980-C-A. GRCh37 (hg19) VCF-style: chr5-38486082-C-A.
Other names: c.2336G>T, p.Gly779Val (NM_001364297.2, NM_001364298.2, NM_002310.6); short protein forms G779V.
Identifiers: ClinVar variation 1056730 (VCV001056730.9), dbSNP rs1404206532, ClinGen allele CA359536454.